The following is an entry in ClinVar:

ClinVar aggregate classification (germline): Likely benign (1 of 4 stars; one submission).

Conditions:
Disorders of Intracellular Cobalamin Metabolism. Identifiers: MedGen CN043592.

Allele frequency attached by ClinVar (database versions not stated): 1000 Genomes Project 30x 0.00437; 1000 Genomes Project 0.00439; gnomAD 0.00626 and 0.00630; TOPMed 0.00628.

Submission:

Illumina Laboratory Services, Illumina
Classification: Likely benign for Disorders of Intracellular Cobalamin Metabolism. Last evaluated: 2018-01-13. Review status: criteria provided, single submitter. Criteria: ICSL Variant Classification Criteria 13 December 2019. Collection method: clinical testing. Allele origin: germline.
Comment: This variant was observed in the ICSL laboratory as part of a predisposition screen in an ostensibly healthy population. It had not been previously curated by ICSL or reported in the Human Gene Mutation Database (HGMD: prior to June 1st, 2018), and was therefore a candidate for classification through an automated scoring system. Utilizing variant allele frequency, disease prevalence and penetrance estimates, and inheritance mode, an automated score was calculated to assess if this variant is too frequent to cause the disease. Based on the score and internal cut-off values, a variant classified as likely benign is not then subjected to further curation. The score for this variant resulted in a classification of likely benign for this disease.

NM_000254.3(MTR):c.*3493A>G

Gene: MTR (5-methyltetrahydrofolate-homocysteine methyltransferase; plus strand). Cytogenetic location: 1q43.
Variant type: single nucleotide variant.
Coding change: c.*3493A>G on transcript NM_000254.3 (MANE Select); 3493 bases downstream of the stop codon, A replaced by G.
Molecular consequence: 3 prime UTR variant.
Genome position (GRCh38, 1-based): chr1:236,901,137, A>G. VCF-style: chr1-236901137-A-G. GRCh37 (hg19) VCF-style: chr1-237064437-A-G.
Other names: c.*3493A>G (NM_001291939.1, NM_001291940.2).
Identifiers: ClinVar variation 296652 (VCV000296652.5), dbSNP rs41304165, ClinGen allele CA10610679.
Genomic context (GRCh38, chr1:236,901,137, plus strand): 5'-AGCCAGCAGGGGAGCAGCTGTGGGTTGGAGGAAGCCAGGAGGGAGAGTGCAATGCCGAGA[A>G]AGCAATGAAGAGCGTTTCGAAGCATGCCAGCAGAACCCAATGCTGCAAAGAGGCCTGGGA-3'